The following is an entry in ClinVar:

NM_001365088.1(SLC12A6):c.3404T>G (p.Val1135Gly)

Gene: SLC12A6 (solute carrier family 12 member 6; minus strand). Cytogenetic location: 15q14.
Variant type: single nucleotide variant.
Coding change: c.3404T>G on transcript NM_001365088.1 (MANE Select); coding-DNA position 3404, T replaced by G.
Protein change: p.Val1135Gly; replaces valine 1135 with glycine.
Molecular consequence: missense variant.
Genome position (GRCh38, 1-based): chr15:34,233,930, A>C on the plus strand (T>G on the coding strand, the complement: SLC12A6 is on the minus strand). VCF-style: chr15-34233930-A-C. GRCh37 (hg19) VCF-style: chr15-34526131-A-C.
Other names: c.3227T>G, p.Val1076Gly (NM_001042494.2, NM_001042495.2); c.3377T>G, p.Val1126Gly (NM_001042496.2); c.3359T>G, p.Val1120Gly (NM_001042497.2); c.3251T>G, p.Val1084Gly (NM_005135.2); c.3404T>G, p.Val1135Gly (NM_133647.2); short protein forms V1076G, V1084G, V1120G, V1126G, V1135G.
Identifiers: ClinVar variation 3371269 (VCV003371269.3).

ClinVar aggregate classification (germline): Uncertain significance (1 of 4 stars; one submission).

gnomAD v4.1: 4 of 1,607,694 alleles (0.00025%); highest among the groups gnomAD compares: Admixed American, 0.0067%; no homozygotes.

Submission:

GeneDx
Classification: Uncertain significance. Last evaluated: 2025-06-24. Review status: criteria provided, single submitter. Criteria: GeneDx Variant Classification Process June 2021. Collection method: clinical testing. Allele origin: germline. Affected: yes.
Comment: In silico analysis supports that this missense variant has a deleterious effect on protein structure/function; Has not been previously published as pathogenic or benign to our knowledge